The following is an entry in ClinVar:

ClinVar aggregate classification (germline): Uncertain significance. Review status: criteria provided, multiple submitters, no conflicts (2 of 4 stars). 2 submissions from 2 submitters: Uncertain significance (2). Last evaluated 2026-01-14.

Conditions:
Inborn genetic diseases. Identifiers: MedGen C0950123, MeSH D030342.
46,XY sex reversal 6. Also called: 46,XY GONADAL DYSGENESIS, PARTIAL OR COMPLETE, MAP3K1-RELATED; 46,XY SEX REVERSAL, PARTIAL OR COMPLETE, MAP3K1-RELATED. Identifiers: MedGen C3151064, MONDO:0013410, OMIM 613762.

Submissions (2):

Labcorp Genetics (formerly Invitae), Labcorp
Classification: Uncertain significance for 46,XY sex reversal 6. Last evaluated: 2026-01-14. Review status: criteria provided, single submitter. Criteria: Invitae Variant Classification Sherloc (09022015). Collection method: clinical testing. Allele origin: germline.
Comment: This sequence change replaces glycine, which is neutral and non-polar, with arginine, which is basic and polar, at codon 104 of the MAP3K1 protein (p.Gly104Arg). This variant is not present in population databases (gnomAD no frequency). This variant has not been reported in the literature in individuals affected with MAP3K1-related conditions. ClinVar contains an entry for this variant (Variation ID: 2614728). Invitae Evidence Modeling of protein sequence and biophysical properties (such as structural, functional, and spatial information, amino acid conservation, physicochemical variation, residue mobility, and thermodynamic stability) indicates that this missense variant is not expected to disrupt MAP3K1 protein function with a negative predictive value of 95%. In summary, the available evidence is currently insufficient to determine the role of this variant in disease. Therefore, it has been classified as a Variant of Uncertain Significance.

Ambry Genetics
Classification: Uncertain significance for Inborn genetic diseases. Last evaluated: 2023-07-30. Review status: criteria provided, single submitter. Criteria: Ambry Variant Classification Scheme 2023. Collection method: clinical testing. Allele origin: germline.

NM_005921.2(MAP3K1):c.310G>C (p.Gly104Arg)

Genes: MAP3K1 (mitogen-activated protein kinase kinase kinase 1; plus strand), LOC129993918 (ATAC-STARR-seq lymphoblastoid silent region 16021; plus strand). Cytogenetic location: 5q11.2.
Variant type: single nucleotide variant.
Coding change: c.310G>C on transcript NM_005921.2 (MANE Select); coding-DNA position 310, G replaced by C.
Protein change: p.Gly104Arg; replaces glycine 104 with arginine.
Molecular consequence: missense variant.
Genome position (GRCh38, 1-based): chr5:56,815,883, G>C. VCF-style: chr5-56815883-G-C. GRCh37 (hg19) VCF-style: chr5-56111710-G-C.
Other names: short protein forms G104R.
Identifiers: ClinVar variation 2614728 (VCV002614728.3), dbSNP rs1419329571, ClinGen allele CA359801587.